The following is an entry in ClinVar:

NM_014795.4(ZEB2):c.2516C>G (p.Ala839Gly)

Gene: ZEB2 (zinc finger E-box binding homeobox 2; minus strand). Cytogenetic location: 2q22.3.
Variant type: single nucleotide variant.
Coding change: c.2516C>G on transcript NM_014795.4 (MANE Select); coding-DNA position 2516, C replaced by G.
Protein change: p.Ala839Gly; replaces alanine 839 with glycine.
Molecular consequence: missense variant.
Genome position (GRCh38, 1-based): chr2:144,398,671, G>C on the plus strand (C>G on the coding strand, the complement: ZEB2 is on the minus strand). VCF-style: chr2-144398671-G-C. GRCh37 (hg19) VCF-style: chr2-145156238-G-C.
Other names: c.2444C>G, p.Ala815Gly (NM_001171653.2); short protein forms A815G, A839G.
Identifiers: ClinVar variation 1001252 (VCV001001252.8), dbSNP rs757845450, ClinGen allele CA1898240.

ClinVar aggregate classification (germline): Uncertain significance (1 of 4 stars; one submission).

Conditions:
Mowat-Wilson syndrome (MOWS). Also called: Classic Mowat-Wilson Syndrome. Identifiers: Orphanet 2152, MedGen C1856113, MONDO:0009341, OMIM 235730.

Allele frequency attached by ClinVar (database versions not stated): gnomAD exomes below 0.00001; ExAC 0.00001; gnomAD 0.00001.
gnomAD v4.1: 3 of 1,613,784 alleles (0.00019%); highest among the groups gnomAD compares: African/African-American, 0.0013%; no homozygotes.

Submission:

Labcorp Genetics (formerly Invitae), Labcorp
Classification: Uncertain significance for Mowat-Wilson syndrome. Last evaluated: 2022-04-08. Review status: criteria provided, single submitter. Criteria: Invitae Variant Classification Sherloc (09022015). Collection method: clinical testing. Allele origin: germline.
Comment: In summary, the available evidence is currently insufficient to determine the role of this variant in disease. Therefore, it has been classified as a Variant of Uncertain Significance. Algorithms developed to predict the effect of sequence changes on RNA splicing suggest that this variant may create or strengthen a splice site. Algorithms developed to predict the effect of missense changes on protein structure and function (SIFT, PolyPhen-2, Align-GVGD) all suggest that this variant is likely to be tolerated. ClinVar contains an entry for this variant (Variation ID: 1001252). This variant has not been reported in the literature in individuals affected with ZEB2-related conditions. This variant is present in population databases (rs757845450, gnomAD 0.004%). This sequence change replaces alanine, which is neutral and non-polar, with glycine, which is neutral and non-polar, at codon 839 of the ZEB2 protein (p.Ala839Gly).